The following is an entry in ClinVar:

NM_012213.3(MLYCD):c.412C>G (p.Arg138Gly)

Gene: MLYCD (malonyl-CoA decarboxylase; plus strand). Cytogenetic location: 16q23.3.
Variant type: single nucleotide variant.
Coding change: c.412C>G on transcript NM_012213.3 (MANE Select); coding-DNA position 412, C replaced by G.
Protein change: p.Arg138Gly; replaces arginine 138 with glycine.
Molecular consequence: missense variant.
Genome position (GRCh38, 1-based): chr16:83,899,556, C>G. VCF-style: chr16-83899556-C-G. GRCh37 (hg19) VCF-style: chr16-83933161-C-G.
Other names: short protein forms R138G.
Identifiers: ClinVar variation 3049873 (VCV003049873.3), dbSNP rs753474144, ClinGen allele CA8197222.

ClinVar aggregate classification (germline): Uncertain significance. Review status: criteria provided, single submitter (1 of 4 stars). 2 submissions from 2 submitters: Uncertain significance (1). 1 of the submissions does not count toward it. Last evaluated 2024-12-03.

Conditions:
MLYCD-related disorder. Also called: MLYCD-related condition.
Inborn genetic diseases. Identifiers: MedGen C0950123, MeSH D030342.

Allele frequency attached by ClinVar (database versions not stated): ExAC 0.00001.
gnomAD v4.1: 8 of 1,592,854 alleles (0.0005%); highest among the groups gnomAD compares: Non-Finnish European, 0.00059%; no homozygotes.

Submissions (2):

Ambry Genetics
Classification: Uncertain significance for Inborn genetic diseases. Last evaluated: 2024-12-03. Review status: criteria provided, single submitter. Criteria: Ambry Variant Classification Scheme 2023. Collection method: clinical testing. Allele origin: germline.

PreventionGenetics, part of Exact Sciences
Classification: Uncertain significance for MLYCD-related condition. Last evaluated: 2024-02-15. Review status: no assertion criteria provided. Collection method: clinical testing. Allele origin: germline. Not counted in ClinVar's aggregate classification.
Comment: The MLYCD c.412C>G variant is predicted to result in the amino acid substitution p.Arg138Gly. To our knowledge, this variant has not been reported in the literature. This variant is reported in 0.0021% of alleles in individuals of European (Non-Finnish) descent in gnomAD. At this time, the clinical significance of this variant is uncertain due to the absence of conclusive functional and genetic evidence.